The following is an entry in ClinVar:

NM_001199799.2(ILDR1):c.755del (p.Pro252fs)

Gene: ILDR1 (immunoglobulin like domain containing receptor 1; minus strand). Cytogenetic location: 3q13.33.
Variant type: Deletion.
Coding change: c.755del on transcript NM_001199799.2 (MANE Select); coding-DNA position 755, one base deleted (C; older notation c.755delC).
Protein change: p.Pro252fs; shifts the reading frame from proline 252.
Molecular consequence: frameshift variant. On other transcripts: intron variant (1).
Genome position (GRCh38, 1-based): chr3:121,994,205, G deleted on the plus strand (C on the coding strand, the reverse complement: ILDR1 is on the minus strand); the first of 2 consecutive G bases (chr3:121,994,205-121,994,206); deleting either gives the same sequence. VCF-style (leftmost placement, unchanged base first): chr3-121994204-TG-T. GRCh37 (hg19) VCF-style: chr3-121713051-TG-T.
Other names: c.488del, p.Pro163fs (NM_001199800.2); c.647-235del (NM_175924.4); short protein forms P163fs, P252fs.
Identifiers: ClinVar variation 3345513 (VCV003345513.1).
Genomic context (GRCh38, chr3:121,994,204, plus strand): 5'-TCTGCCCTCCCCTATCCCAAATCTCTGGAAGAGTTTACCTCGCTGCAGCAGCGGGTGCAT[TG>T]GATAAGATGAAACCTGGGAGCTCCTGTCCGCCCCCCAGTACAGGGGTTTTCCCATCATCT-3'

ClinVar aggregate classification (germline): Likely pathogenic (0 of 4 stars; one submission).

Conditions:
ILDR1-related disorder. Also called: ILDR1-related condition.

Submission:

PreventionGenetics, part of Exact Sciences
Classification: Likely pathogenic for ILDR1-related condition. Last evaluated: 2024-05-08. Review status: no assertion criteria provided. Collection method: clinical testing. Allele origin: germline.
Comment: The ILDR1 c.755delC variant is predicted to result in a frameshift and premature protein termination (p.Pro252Glnfs*21). To our knowledge, this variant has not been reported in the literature. This variant is reported in 0.072% of alleles in individuals of European (Finnish) descent in gnomAD. Frameshift variants in ILDR1 are expected to be pathogenic. This variant is interpreted as likely pathogenic.